The following is an entry in ClinVar:

NM_005751.5(AKAP9):c.6188A>G (p.Glu2063Gly)

Gene: AKAP9 (A-kinase anchoring protein 9; plus strand). Cytogenetic location: 7q21.2.
Variant type: single nucleotide variant.
Coding change: c.6188A>G on transcript NM_005751.5 (MANE Select); coding-DNA position 6188, A replaced by G.
Protein change: p.Glu2063Gly; replaces glutamic acid 2063 with glycine.
Molecular consequence: missense variant.
Genome position (GRCh38, 1-based): chr7:92,065,441, A>G. VCF-style: chr7-92065441-A-G. GRCh37 (hg19) VCF-style: chr7-91694755-A-G.
Other names: c.833A>G, p.Glu278Gly (NM_001379277.1); c.6188A>G, p.Glu2063Gly (NM_147185.3); c.6188A>G (NM_005751.4); short protein forms E2063G, E278G.
Identifiers: ClinVar variation 425417 (VCV000425417.44), dbSNP rs778681643, ClinGen allele CA4337009.

ClinVar aggregate classification (germline): Uncertain significance. Review status: criteria provided, multiple submitters, no conflicts (2 of 4 stars). 2 submissions from 2 submitters: Uncertain significance (2). Last evaluated 2026-04-30.

Conditions:
Cardiovascular phenotype. Identifiers: MedGen CN230736.

Allele frequency attached by ClinVar (database versions not stated): gnomAD exomes 0.00001 and below 0.00001; TOPMed below 0.00001; ExAC 0.00001; gnomAD 0.00001.
gnomAD v4.1: 6 of 1,611,618 alleles (0.00037%); highest among the groups gnomAD compares: Non-Finnish European, 0.00051%; no homozygotes.

Submissions (2):

Ambry Genetics
Classification: Uncertain significance for Cardiovascular phenotype. Last evaluated: 2026-04-30. Review status: criteria provided, single submitter. Criteria: Ambry Variant Classification Scheme 2023. Collection method: clinical testing. Allele origin: germline.
Comment: The p.E2063G variant (also known as c.6188A>G), located in coding exon 25 of the AKAP9 gene, results from an A to G substitution at nucleotide position 6188. The glutamic acid at codon 2063 is replaced by glycine, an amino acid with similar properties. This amino acid position is conserved. In addition, this alteration is predicted to be tolerated by in silico analysis. Based on the available evidence, the clinical significance of this variant remains unclear.

CeGaT Center for Human Genetics Tuebingen
Classification: Uncertain significance. Last evaluated: 2016-12-01. Review status: criteria provided, single submitter. Criteria: CeGaT Center For Human Genetics Tuebingen Variant Classification Criteria Version 2. Collection method: clinical testing. Allele origin: germline. Affected: yes. Observed: 1 variant allele.